The following is an entry in ClinVar:

ClinVar aggregate classification (germline): Benign/Likely benign. Review status: criteria provided, multiple submitters, no conflicts (2 of 4 stars). 2 submissions from 2 submitters: Benign (1); Likely benign (1). Last evaluated 2025-10-23.

Conditions:
Familial adenomatous polyposis 1 (FAP1). Also called: FAMILIAL ADENOMATOUS POLYPOSIS 1, ATTENUATED; POLYPOSIS, ADENOMATOUS INTESTINAL. Identifiers: MedGen C2713442, MONDO:0021056, OMIM 175100. Disease mechanism: loss of function.

gnomAD v4.1: 1 of 1,613,888 alleles (0.000062%); highest among the groups gnomAD compares: Non-Finnish European, 0.000085%; no homozygotes.

Submissions (2):

Labcorp Genetics (formerly Invitae), Labcorp
Classification: Likely benign for Familial adenomatous polyposis 1. Last evaluated: 2025-10-23. Review status: criteria provided, single submitter. Criteria: Invitae Variant Classification Sherloc (09022015). Collection method: clinical testing. Allele origin: germline.

Myriad Genetics, Inc.
Classification: Benign for Familial adenomatous polyposis 1. Last evaluated: 2024-04-03. Review status: criteria provided, single submitter. Criteria: Myriad Autosomal Dominant, Autosomal Recessive and X-Linked Classification Criteria (2023). Collection method: clinical testing. Allele origin: unknown.
Comment: This variant is considered benign. This variant is a silent/synonymous amino acid change and it is not expected to impact splicing.

NM_000038.6(APC):c.5976C>G (p.Pro1992=)

Gene: APC (APC regulator of Wnt signaling pathway; plus strand). Cytogenetic location: 5q22.2.
Variant type: single nucleotide variant.
Coding change: c.5976C>G on transcript NM_000038.6 (MANE Select); coding-DNA position 5976, C replaced by G.
Protein change: p.Pro1992=; no amino-acid change (proline 1992 retained).
Molecular consequence: synonymous variant.
Genome position (GRCh38, 1-based): chr5:112,841,570, C>G. VCF-style: chr5-112841570-C-G. GRCh37 (hg19) VCF-style: chr5-112177267-C-G.
Other names: c.5976C>G, p.Pro1992= (NM_001127510.3, NM_001354895.2); c.5922C>G, p.Pro1974= (NM_001127511.3); c.6030C>G, p.Pro2010= (NM_001354896.2); c.6006C>G, p.Pro2002= (NM_001354897.2); c.5901C>G, p.Pro1967= (NM_001354898.2); c.5892C>G, p.Pro1964= (NM_001354899.2); c.5853C>G, p.Pro1951= (NM_001354900.2); c.5799C>G, p.Pro1933= (NM_001354901.2); and 5 more.
Identifiers: ClinVar variation 750723 (VCV000750723.10), dbSNP rs768878237, ClinGen allele CA446210100.